The following is an entry in ClinVar:

ClinVar aggregate classification (germline): Likely benign. Review status: criteria provided, multiple submitters, no conflicts (2 of 4 stars). 4 submissions from 4 submitters: Likely benign (3). 1 of the submissions does not count toward it. Last evaluated 2025-12-21.

Conditions:
GPR179-related disorder. Also called: GPR179-related condition.
Congenital stationary night blindness 1E. Also called: Night blindness, congenital stationary (complete), 1E, autosomal recessive. Identifiers: Orphanet 215, MedGen C3281215, MONDO:0013807, OMIM 614565.

Allele frequency attached by ClinVar (database versions not stated): TOPMed 0.00022; gnomAD exomes 0.00037; ExAC 0.00046; 1000 Genomes Project 30x 0.00125; 1000 Genomes Project 0.00160.
gnomAD v4.1: 849 of 1,613,984 alleles (0.053%); highest among the groups gnomAD compares: East Asian, 1.9%; 17 homozygotes.

Submissions (4):

Labcorp Genetics (formerly Invitae), Labcorp
Classification: Likely benign. Last evaluated: 2025-12-21. Review status: criteria provided, single submitter. Criteria: Invitae Variant Classification Sherloc (09022015). Collection method: clinical testing. Allele origin: germline.

Blueprint Genetics
Classification: Likely benign. Last evaluated: 2024-09-19. Review status: criteria provided, single submitter. Criteria: ACMG Guidelines, 2015. Collection method: clinical testing. Allele origin: germline.

Illumina Laboratory Services, Illumina
Classification: Likely benign for Congenital stationary night blindness 1E. Last evaluated: 2018-01-13. Review status: criteria provided, single submitter. Criteria: ICSL Variant Classification Criteria 13 December 2019. Collection method: clinical testing. Allele origin: germline.
Comment: This variant was observed in the ICSL laboratory as part of a predisposition screen in an ostensibly healthy population. It had not been previously curated by ICSL or reported in the Human Gene Mutation Database (HGMD: prior to June 1st, 2018), and was therefore a candidate for classification through an automated scoring system. Utilizing variant allele frequency, disease prevalence and penetrance estimates, and inheritance mode, an automated score was calculated to assess if this variant is too frequent to cause the disease. Based on the score and internal cut-off values, a variant classified as likely benign is not then subjected to further curation. The score for this variant resulted in a classification of likely benign for this disease.

PreventionGenetics, part of Exact Sciences
Classification: Likely benign for GPR179-related condition. Last evaluated: 2019-08-05. Review status: no assertion criteria provided. Collection method: clinical testing. Allele origin: germline. Not counted in ClinVar's aggregate classification.
Comment: This variant is classified as likely benign based on ACMG/AMP sequence variant interpretation guidelines (Richards et al. 2015 PMID: 25741868, with internal and published modifications).

NM_001004334.4(GPR179):c.4381G>C (p.Glu1461Gln)

Gene: GPR179 (G protein-coupled receptor 179; minus strand). Cytogenetic location: 17q12.
Variant type: single nucleotide variant.
Coding change: c.4381G>C on transcript NM_001004334.4 (MANE Select); coding-DNA position 4381, G replaced by C.
Protein change: p.Glu1461Gln; replaces glutamic acid 1461 with glutamine.
Molecular consequence: missense variant.
Genome position (GRCh38, 1-based): chr17:38,329,188, C>G on the plus strand (G>C on the coding strand, the complement: GPR179 is on the minus strand). VCF-style: chr17-38329188-C-G. GRCh37 (hg19) VCF-style: chr17-36485071-C-G.
Other names: c.4381G>C (NM_001004334.3); short protein forms E1461Q.
Identifiers: ClinVar variation 892175 (VCV000892175.14), dbSNP rs201149338, ClinGen allele CA290104204.